The following is an entry in ClinVar:

NM_005585.5(SMAD6):c.1381C>T (p.Pro461Ser)

Gene: SMAD6 (SMAD family member 6; plus strand). Cytogenetic location: 15q22.31.
Variant type: single nucleotide variant.
Coding change: c.1381C>T on transcript NM_005585.5 (MANE Select); coding-DNA position 1381, C replaced by T.
Protein change: p.Pro461Ser; replaces proline 461 with serine.
Molecular consequence: missense variant. On other transcripts: non-coding transcript variant (1).
Genome position (GRCh38, 1-based): chr15:66,781,425, C>T. VCF-style: chr15-66781425-C-T. GRCh37 (hg19) VCF-style: chr15-67073763-C-T.
Other names: short protein forms P461S.
Identifiers: ClinVar variation 3224786 (VCV003224786.3), dbSNP rs1218731499, ClinGen allele CA393202416.

ClinVar aggregate classification (germline): Uncertain significance. Review status: criteria provided, multiple submitters, no conflicts (2 of 4 stars). 2 submissions from 2 submitters: Uncertain significance (2). Last evaluated 2024-11-21.

Conditions:
Inborn genetic diseases. Identifiers: MedGen C0950123, MeSH D030342.
Aortic valve disease 2 (AOVD2). Identifiers: MedGen C3542024, MONDO:0013902, OMIM 614823.

Allele frequency attached by ClinVar (database versions not stated): gnomAD exomes below 0.00001.

Submissions (2):

Labcorp Genetics (formerly Invitae), Labcorp
Classification: Uncertain significance for Aortic valve disease 2. Last evaluated: 2024-11-21. Review status: criteria provided, single submitter. Criteria: Invitae Variant Classification Sherloc (09022015). Collection method: clinical testing. Allele origin: germline.
Comment: This sequence change replaces proline, which is neutral and non-polar, with serine, which is neutral and polar, at codon 461 of the SMAD6 protein (p.Pro461Ser). This variant is not present in population databases (gnomAD no frequency). This variant has not been reported in the literature in individuals affected with SMAD6-related conditions. ClinVar contains an entry for this variant (Variation ID: 3224786). Invitae Evidence Modeling of protein sequence and biophysical properties (such as structural, functional, and spatial information, amino acid conservation, physicochemical variation, residue mobility, and thermodynamic stability) indicates that this missense variant is not expected to disrupt SMAD6 protein function with a negative predictive value of 80%. In summary, the available evidence is currently insufficient to determine the role of this variant in disease. Therefore, it has been classified as a Variant of Uncertain Significance.

Ambry Genetics
Classification: Uncertain significance for Inborn genetic diseases. Last evaluated: 2023-12-12. Review status: criteria provided, single submitter. Criteria: Ambry Variant Classification Scheme 2023. Collection method: clinical testing. Allele origin: germline.
Comment: The p.P461S variant (also known as c.1381C>T), located in coding exon 4 of the SMAD6 gene, results from a C to T substitution at nucleotide position 1381. The proline at codon 461 is replaced by serine, an amino acid with similar properties. This amino acid position is conserved. In addition, this alteration is predicted to be deleterious by in silico analysis. Since supporting evidence is limited at this time, the clinical significance of this alteration remains unclear.